The following is an entry in ClinVar:

NM_001369.3(DNAH5):c.2985delinsAATGAATAAATTCCT (p.Asp995fs)

Genes: DNAH5 (dynein axonemal heavy chain 5; minus strand), DNAH5-AS1 (DNAH5 antisense RNA 1; plus strand). Cytogenetic location: 5p15.2.
Variant type: Indel.
Coding change: c.2985delinsAATGAATAAATTCCT on transcript NM_001369.3 (MANE Select); coding-DNA position 2985, C replaced by AATGAATAAATTCCT.
Protein change: p.Asp995fs; shifts the reading frame from aspartic acid 995.
Molecular consequence: frameshift variant.
Genome position (GRCh38, 1-based): chr5:13,883,093, G replaced by AGGAATTTATTCATT on the plus strand (C replaced by AATGAATAAATTCCT on the coding strand, the reverse complement: DNAH5 is on the minus strand). VCF-style: chr5-13883093-G-AGGAATTTATTCATT. GRCh37 (hg19) VCF-style: chr5-13883202-G-AGGAATTTATTCATT.
Other names: short protein forms D995fs.
Identifiers: ClinVar variation 5010923 (VCV005010923.1).

ClinVar aggregate classification (germline): Pathogenic (1 of 4 stars; one submission).

Conditions:
Primary ciliary dyskinesia 3. Identifiers: Orphanet 244, MedGen C1837618, MONDO:0012085, OMIM 608644.

Submission:

Myriad Genetics, Inc.
Classification: Pathogenic for Primary ciliary dyskinesia 3. Last evaluated: 2024-05-14. Review status: criteria provided, single submitter. Criteria: Myriad Autosomal Dominant, Autosomal Recessive and X-Linked Classification Criteria (2023). Collection method: clinical testing. Allele origin: unknown.
Comment: NM_001369.2(DNAH5):c.2985del1ins15(D995Efs*13) is expected to be pathogenic in the context of primary ciliary dyskinesia, DNAH5-related. This variant is predicted to lead to an abnormal or absent protein product due to the creation of a premature termination codon in DNAH5, a gene where loss-of-function variants are known to be pathogenic. Please note: this variant was assessed in the context of healthy population screening.